The following is an entry in ClinVar:

ClinVar aggregate classification (germline): Uncertain significance (1 of 4 stars; one submission).

Conditions:
Hereditary cancer-predisposing syndrome. Also called: Neoplastic Syndromes, Hereditary; Tumor predisposition; Hereditary Cancer Syndrome; Hereditary neoplastic syndrome. Identifiers: Orphanet 140162, MedGen C0027672, MeSH D009386, MONDO:0015356.

Submission:

Ambry Genetics
Classification: Uncertain significance for Hereditary cancer-predisposing syndrome. Last evaluated: 2022-06-14. Review status: criteria provided, single submitter. Criteria: Ambry Variant Classification Scheme 2023. Collection method: clinical testing. Allele origin: germline.
Comment: The p.M531V variant (also known as c.1591A>G), located in coding exon 8 of the SMARCA4 gene, results from an A to G substitution at nucleotide position 1591. The methionine at codon 531 is replaced by valine, an amino acid with highly similar properties. This amino acid position is highly conserved in available vertebrate species. In addition, the in silico prediction for this alteration is inconclusive. Missense and in-frame variants in SMARCA4 are known to cause neurodevelopmental disorders; however, such associations with rhabdoid tumor predisposition syndrome including small cell carcinoma of the ovary-hypercalcemic type (SCCOHT) are exceedingly rare (Kosho T et al. Am J Med Genet C Semin Med Genet. 2014 Sep;166C(3):262-75; Jelinic P et al. Nat Genet. 2014 May;46(5):424-6). Since supporting evidence is limited at this time, the clinical significance of this alteration remains unclear.

NM_003072.5(SMARCA4):c.1591A>G (p.Met531Val)

Gene: SMARCA4 (SWI/SNF related BAF chromatin remodeling complex subunit ATPase 4; plus strand). Cytogenetic location: 19p13.2.
Variant type: single nucleotide variant.
Coding change: c.1591A>G on transcript NM_003072.5 (MANE Select); coding-DNA position 1591, A replaced by G.
Protein change: p.Met531Val; replaces methionine 531 with valine.
Molecular consequence: missense variant. On other transcripts: non-coding transcript variant (1).
Genome position (GRCh38, 1-based): chr19:10,994,999, A>G. VCF-style: chr19-10994999-A-G. GRCh37 (hg19) VCF-style: chr19-11105675-A-G.
Other names: c.1591A>G, p.Met531Val (NM_001128844.3, NM_001128845.2, NM_001128846.2 and 5 more transcripts); short protein forms M531V.
Identifiers: ClinVar variation 484925 (VCV000484925.5), dbSNP rs1555762206, ClinGen allele CA404062831.